The following is an entry in ClinVar:

NM_001330360.2(POLA1):c.2210T>C (p.Met737Thr)

Gene: POLA1 (DNA polymerase alpha 1, catalytic subunit; plus strand). Cytogenetic location: Xp22.11.
Variant type: single nucleotide variant.
Coding change: c.2210T>C on transcript NM_001330360.2 (MANE Select); coding-DNA position 2210, T replaced by C.
Protein change: p.Met737Thr; replaces methionine 737 with threonine.
Molecular consequence: missense variant.
Genome position (GRCh38, 1-based): chrX:24,739,544, T>C. VCF-style: chrX-24739544-T-C. GRCh37 (hg19) VCF-style: chrX-24757661-T-C.
Other names: c.2135T>C, p.Met712Thr (NM_001378303.1); c.2192T>C, p.Met731Thr (NM_016937.4); short protein forms M737T, M712T, M731T.
Identifiers: ClinVar variation 2707932 (VCV002707932.3), dbSNP rs2518828712, ClinGen allele CA412535833.

ClinVar aggregate classification (germline): Uncertain significance (1 of 4 stars; one submission).

Submission:

Labcorp Genetics (formerly Invitae), Labcorp
Classification: Uncertain significance. Last evaluated: 2024-01-06. Review status: criteria provided, single submitter. Criteria: Invitae Variant Classification Sherloc (09022015). Collection method: clinical testing. Allele origin: germline.
Comment: This sequence change replaces methionine, which is neutral and non-polar, with threonine, which is neutral and polar, at codon 731 of the POLA1 protein (p.Met731Thr). This variant is not present in population databases (gnomAD no frequency). This variant has not been reported in the literature in individuals affected with POLA1-related conditions. Advanced modeling of protein sequence and biophysical properties (such as structural, functional, and spatial information, amino acid conservation, physicochemical variation, residue mobility, and thermodynamic stability) performed at Invitae indicates that this missense variant is not expected to disrupt POLA1 protein function with a negative predictive value of 80%. In summary, the available evidence is currently insufficient to determine the role of this variant in disease. Therefore, it has been classified as a Variant of Uncertain Significance.